The following is an entry in ClinVar:

NM_001083926.2(ASRGL1):c.368C>T (p.Ala123Val)

Gene: ASRGL1 (asparaginase and isoaspartyl peptidase 1; plus strand). Cytogenetic location: 11q12.3.
Variant type: single nucleotide variant.
Coding change: c.368C>T on transcript NM_001083926.2 (MANE Select); coding-DNA position 368, C replaced by T.
Protein change: p.Ala123Val; replaces alanine 123 with valine.
Molecular consequence: missense variant.
Genome position (GRCh38, 1-based): chr11:62,357,021, C>T. VCF-style: chr11-62357021-C-T. GRCh37 (hg19) VCF-style: chr11-62124493-C-T.
Other names: c.368C>T, p.Ala123Val (NM_025080.4); short protein forms A123V.
Identifiers: ClinVar variation 972324 (VCV000972324.10), dbSNP rs370679289, ClinGen allele CA6043176.
Genomic context (GRCh38, chr11:62,357,021, plus strand): 5'-CATTTTCTCTTTTCTTTCTGGCTCAGACACCTCATTGCTTTCTGACTGACCAAGGCGCAG[C>T]GCAGTTTGCAGCAGCTATGGGGGTTCCAGAGATTCCTGGAGAAAAACTGGTGACAGAGAG-3'
Protein context (NP_001077395.1, residues 113-133): PHCFLTDQGA[Ala123Val]QFAAAMGVPE

ClinVar aggregate classification (germline): Uncertain significance (1 of 4 stars; one submission).

Allele frequency attached by ClinVar (database versions not stated): gnomAD 0.00001; gnomAD exomes 0.00001 and 0.00002; ExAC 0.00002; TOPMed 0.00003; ESP Exome Variant Server 0.00008.
gnomAD v4.1: 23 of 1,613,666 alleles (0.0014%); highest among the groups gnomAD compares: South Asian, 0.0055%; no homozygotes.

Submission:

Labcorp Genetics (formerly Invitae), Labcorp
Classification: Uncertain significance. Last evaluated: 2022-09-06. Review status: criteria provided, single submitter. Criteria: Invitae Variant Classification Sherloc (09022015). Collection method: clinical testing. Allele origin: germline.
Comment: In summary, the available evidence is currently insufficient to determine the role of this variant in disease. Therefore, it has been classified as a Variant of Uncertain Significance. Algorithms developed to predict the effect of missense changes on protein structure and function (SIFT, PolyPhen-2, Align-GVGD) all suggest that this variant is likely to be tolerated. ClinVar contains an entry for this variant (Variation ID: 972324). This variant has not been reported in the literature in individuals affected with ASRGL1-related conditions. This variant is present in population databases (rs370679289, gnomAD 0.007%). This sequence change replaces alanine, which is neutral and non-polar, with valine, which is neutral and non-polar, at codon 123 of the ASRGL1 protein (p.Ala123Val).